The following is an entry in ClinVar:

ClinVar aggregate classification (germline): Uncertain significance (1 of 4 stars; one submission).

Conditions:
Singleton-Merten syndrome 1 (SGMRT1). Also called: Widened medullary cavities of bone, aortic calcification, abnormal dentition, and muscular weakness; Syndrome of widened medullary cavities of the metacarpals and phalanges, aortic calcification and abnormal dentition. Identifiers: Orphanet 85191, MedGen C4225427, MONDO:0024535, OMIM 182250.
Aicardi-Goutieres syndrome 7 (AGS7). Identifiers: Orphanet 51, MedGen C3888244, MONDO:0014367, OMIM 615846.

Submission:

Labcorp Genetics (formerly Invitae), Labcorp
Classification: Uncertain significance for Aicardi-Goutieres syndrome 7; Singleton-Merten syndrome 1. Last evaluated: 2024-12-24. Review status: criteria provided, single submitter. Criteria: Invitae Variant Classification Sherloc (09022015). Collection method: clinical testing. Allele origin: germline.
Comment: This sequence change replaces serine, which is neutral and polar, with threonine, which is neutral and polar, at codon 179 of the IFIH1 protein (p.Ser179Thr). This variant is not present in population databases (gnomAD no frequency). This variant has not been reported in the literature in individuals affected with IFIH1-related conditions. Invitae Evidence Modeling of protein sequence and biophysical properties (such as structural, functional, and spatial information, amino acid conservation, physicochemical variation, residue mobility, and thermodynamic stability) has been performed for this missense variant. However, the output from this modeling did not meet the statistical confidence thresholds required to predict the impact of this variant on IFIH1 protein function. In summary, the available evidence is currently insufficient to determine the role of this variant in disease. Therefore, it has been classified as a Variant of Uncertain Significance.

NM_022168.4(IFIH1):c.535T>A (p.Ser179Thr)

Gene: IFIH1 (interferon induced with helicase C domain 1; minus strand). Cytogenetic location: 2q24.2.
Variant type: single nucleotide variant.
Coding change: c.535T>A on transcript NM_022168.4 (MANE Select); coding-DNA position 535, T replaced by A.
Protein change: p.Ser179Thr; replaces serine 179 with threonine.
Molecular consequence: missense variant.
Genome position (GRCh38, 1-based): chr2:162,310,852, A>T on the plus strand (T>A on the coding strand, the complement: IFIH1 is on the minus strand). VCF-style: chr2-162310852-A-T. GRCh37 (hg19) VCF-style: chr2-163167362-A-T.
Other names: short protein forms S179T.
Identifiers: ClinVar variation 3753643 (VCV003753643.2).